The following is an entry in ClinVar:

ClinVar aggregate classification (germline): Uncertain significance (1 of 4 stars; one submission).

Conditions:
Autosomal recessive limb-girdle muscular dystrophy type 2Y (MRRSDC). Also called: Muscular dystrophy, autosomal recessive, with rigid spine and distal joint contractures; Muscular dystrophy, limb-girdle, type 2y. Identifiers: Orphanet 424261, MedGen C4511482, MONDO:0014900, OMIM 617072.

Allele frequency attached by ClinVar (database versions not stated): gnomAD exomes below 0.00001; ExAC 0.00001.
gnomAD v4.1: 1 of 1,610,086 alleles (0.000062%); no homozygotes.

Submission:

Labcorp Genetics (formerly Invitae), Labcorp
Classification: Uncertain significance for Autosomal recessive limb-girdle muscular dystrophy type 2Y. Last evaluated: 2022-05-09. Review status: criteria provided, single submitter. Criteria: Invitae Variant Classification Sherloc (09022015). Collection method: clinical testing. Allele origin: germline.
Comment: This variant is present in population databases (rs746552781, gnomAD 0.01%). This sequence change replaces threonine, which is neutral and polar, with isoleucine, which is neutral and non-polar, at codon 235 of the TOR1AIP1 protein (p.Thr235Ile). This variant has not been reported in the literature in individuals affected with TOR1AIP1-related conditions. In summary, the available evidence is currently insufficient to determine the role of this variant in disease. Therefore, it has been classified as a Variant of Uncertain Significance. Algorithms developed to predict the effect of missense changes on protein structure and function are either unavailable or do not agree on the potential impact of this missense change (SIFT: "Deleterious"; PolyPhen-2: "Benign"; Align-GVGD: "Class C0").

NM_015602.4(TOR1AIP1):c.701C>T (p.Thr234Ile)

Gene: TOR1AIP1 (torsin 1A interacting protein 1; plus strand). Cytogenetic location: 1q25.2.
Variant type: single nucleotide variant.
Coding change: c.701C>T on transcript NM_015602.4 (MANE Select); coding-DNA position 701, C replaced by T.
Protein change: p.Thr234Ile; replaces threonine 234 with isoleucine.
Molecular consequence: missense variant.
Genome position (GRCh38, 1-based): chr1:179,901,350, C>T. VCF-style: chr1-179901350-C-T. GRCh37 (hg19) VCF-style: chr1-179870485-C-T.
Other names: c.704C>T, p.Thr235Ile (NM_001267578.2); short protein forms T235I, T234I.
Identifiers: ClinVar variation 1975298 (VCV001975298.5), dbSNP rs746552781, ClinGen allele CA1268918.